The following is an entry in ClinVar:

NM_002568.4(PABPC1):c.58C>T (p.Pro20Ser)

Gene: PABPC1 (poly(A) binding protein cytoplasmic 1; minus strand). Cytogenetic location: 8q22.3.
Variant type: single nucleotide variant.
Coding change: c.58C>T on transcript NM_002568.4 (MANE Select); coding-DNA position 58, C replaced by T.
Protein change: p.Pro20Ser; replaces proline 20 with serine.
Molecular consequence: missense variant.
Genome position (GRCh38, 1-based): chr8:100,721,526, G>A on the plus strand (C>T on the coding strand, the complement: PABPC1 is on the minus strand). VCF-style: chr8-100721526-G-A. GRCh37 (hg19) VCF-style: chr8-101733754-G-A.
Other names: c.58C>T, p.Pro20Ser (NM_001438282.1); short protein forms P20S.
Identifiers: ClinVar variation 4532084 (VCV004532084.1).
Genomic context (GRCh38, chr8:100,721,526, plus strand): 5'-TGGAGAGGATGGGCCCGGCCGGGCTGAACTTCTCGTAGAGCATCGCCTCGGTCACGTCGG[G>A]GTGGAGGTCCCCCACGTAGAGCGAGGCCATGGGGTAGCTGGGGGCACTGGGGTTCATCTC-3'
Protein context (NP_002559.2, residues 10-30): MASLYVGDLH[Pro20Ser]DVTEAMLYEK

ClinVar aggregate classification (germline): Uncertain significance (1 of 4 stars; one submission).

Conditions:
Neurodevelopmental disorder. Identifiers: MedGen C1535926, MeSH D065886, MONDO:0700092.

Submission:

Victorian Clinical Genetics Services, Murdoch Childrens Research Institute
Classification: Uncertain significance for Neurodevelopmental disorder. Last evaluated: 2025-10-29. Review status: criteria provided, single submitter. Criteria: ACMG Guidelines, 2015. Collection method: clinical testing. Allele origin: germline. Affected: yes.
Comment: This variant is classified as VUS-3B. Evidence in support of pathogenic classification: Variant is absent from gnomAD (v2, v3 and v4). Additional information: Variant is predicted to result in a missense amino acid change from Pro to Ser; This variant is heterozygous; This gene is associated with autosomal dominant disease; Alternative amino acid change(s) at the same position are present in gnomAD (highest allele count: v4: 24 heterozygote(s), 0 homozygote(s)); This variant has no previous evidence of pathogenicity; No published evidence of segregation with disease has been identified for this variant; No published functional evidence has been identified for this variant; No comparable missense variants have previous evidence for pathogenicity; Variant is located in the annotated RRM_1 domain (DECIPHER); Missense variant with inconclusive in silico prediction and/or uninformative conservation; The mechanism of disease for this gene is not clearly established. However, expression in HeLa cells of missense variants located in the PABP domain reduced significantly the interaction with PAIP2 protein which may lead to the dysregulation of gene expression homeostasis; no changes in localisation were observed (PMID: 35511136).

Literature cited by the submitters: PubMed 35511136.